The following is an entry in ClinVar:

ClinVar aggregate classification (germline): Likely benign (1 of 4 stars; one submission).

Conditions:
Growth delay due to insulin-like growth factor I resistance. Also called: Insulin-Like Growth Factor I Resistance; Somatomedin end-organ insensitivity to; Somatomedin-c resistance to; IGF-1 resistance; IGF-I RESISTANCE. Identifiers: Orphanet 73273, MedGen C1849157, MONDO:0010038, OMIM 270450.

Allele frequency attached by ClinVar (database versions not stated): gnomAD exomes 0.00038; gnomAD 0.00162 and 0.00169; TOPMed 0.00211; 1000 Genomes Project 0.00280; 1000 Genomes Project 30x 0.00281.
gnomAD v4.1: 279 of 233,392 alleles (0.12%); highest among the groups gnomAD compares: African/African-American, 0.55%; 1 homozygote.

Submission:

Illumina Laboratory Services, Illumina
Classification: Likely benign for Growth delay due to insulin-like growth factor I resistance. Last evaluated: 2018-01-13. Review status: criteria provided, single submitter. Criteria: ICSL Variant Classification Criteria 13 December 2019. Collection method: clinical testing. Allele origin: germline.
Comment: This variant was observed in the ICSL laboratory as part of a predisposition screen in an ostensibly healthy population. It had not been previously curated by ICSL or reported in the Human Gene Mutation Database (HGMD: prior to June 1st, 2018), and was therefore a candidate for classification through an automated scoring system. Utilizing variant allele frequency, disease prevalence and penetrance estimates, and inheritance mode, an automated score was calculated to assess if this variant is too frequent to cause the disease. Based on the score and internal cut-off values, a variant classified as likely benign is not then subjected to further curation. The score for this variant resulted in a classification of likely benign for this disease.

NM_000875.5(IGF1R):c.*3072G>A

Gene: IGF1R (insulin like growth factor 1 receptor; plus strand). Cytogenetic location: 15q26.3.
Variant type: single nucleotide variant.
Coding change: c.*3072G>A on transcript NM_000875.5 (MANE Select); 3072 bases downstream of the stop codon, G replaced by A.
Molecular consequence: 3 prime UTR variant.
Genome position (GRCh38, 1-based): chr15:98,960,514, G>A. VCF-style: chr15-98960514-G-A. GRCh37 (hg19) VCF-style: chr15-99503743-G-A.
Other names: c.*3072G>A (NM_001291858.2).
Identifiers: ClinVar variation 885107 (VCV000885107.4), dbSNP rs115803157, ClinGen allele CA275337044.